The following is an entry in ClinVar:

NM_000135.4(FANCA):c.2242C>T (p.Leu748Phe)

Gene: FANCA (FA complementation group A; minus strand). Cytogenetic location: 16q24.3.
Variant type: single nucleotide variant.
Coding change: c.2242C>T on transcript NM_000135.4 (MANE Select); coding-DNA position 2242, C replaced by T.
Protein change: p.Leu748Phe; replaces leucine 748 with phenylalanine.
Molecular consequence: missense variant.
Genome position (GRCh38, 1-based): chr16:89,770,240, G>A on the plus strand (C>T on the coding strand, the complement: FANCA is on the minus strand). VCF-style: chr16-89770240-G-A. GRCh37 (hg19) VCF-style: chr16-89836648-G-A.
Other names: c.2242C>T, p.Leu748Phe (NM_001286167.3); short protein forms L748F.
Identifiers: ClinVar variation 4254274 (VCV004254274.1).
Genomic context (GRCh38, chr16:89,770,240, plus strand): 5'-GCTGGCAGAGCCGGGTGAGCACTGCAGGGAGCACACGTCCACACATGGTCCTCACGAAGA[G>A]GGCAGCCCAGGGACCCTGCCTGCAGAGACAGCCGTGAAACCATCAGTACTAGCCATTCAG-3'
Protein context (NP_000126.2, residues 738-758): PPERQGPWAA[Leu748Phe]FVRTMCGRVL

ClinVar aggregate classification (germline): Uncertain significance (1 of 4 stars; one submission).

Conditions:
Inborn genetic diseases. Identifiers: MedGen C0950123, MeSH D030342.

Submission:

Ambry Genetics
Classification: Uncertain significance for Inborn genetic diseases. Last evaluated: 2025-08-09. Review status: criteria provided, single submitter. Criteria: Ambry Variant Classification Scheme 2023. Collection method: clinical testing. Allele origin: germline.
Comment: The p.L748F variant (also known as c.2242C>T), located in coding exon 25 of the FANCA gene, results from a C to T substitution at nucleotide position 2242. The leucine at codon 748 is replaced by phenylalanine, an amino acid with highly similar properties. This amino acid position is conserved. In addition, the in silico prediction for this alteration is inconclusive. Based on the available evidence, the clinical significance of this variant remains unclear.